The following is an entry in ClinVar:

NM_001384732.1(CPLANE1):c.462C>G (p.Ser154Arg)

Gene: CPLANE1 (ciliogenesis and planar polarity effector complex subunit 1; minus strand). Cytogenetic location: 5p13.2.
Variant type: single nucleotide variant.
Coding change: c.462C>G on transcript NM_001384732.1 (MANE Select); coding-DNA position 462, C replaced by G.
Protein change: p.Ser154Arg; replaces serine 154 with arginine.
Molecular consequence: missense variant.
Genome position (GRCh38, 1-based): chr5:37,244,483, G>C on the plus strand (C>G on the coding strand, the complement: CPLANE1 is on the minus strand). VCF-style: chr5-37244483-G-C. GRCh37 (hg19) VCF-style: chr5-37244585-G-C.
Other names: c.462C>G, p.Ser154Arg (NM_023073.4); short protein forms S154R.
Identifiers: ClinVar variation 1485175 (VCV001485175.6), dbSNP rs1738819609, ClinGen allele CA359521626.

ClinVar aggregate classification (germline): Uncertain significance (1 of 4 stars; one submission).

gnomAD v4.1: 11 of 1,551,648 alleles (0.00071%); highest among the groups gnomAD compares: South Asian, 0.0059%; no homozygotes.

Submission:

Labcorp Genetics (formerly Invitae), Labcorp
Classification: Uncertain significance. Last evaluated: 2025-10-22. Review status: criteria provided, single submitter. Criteria: Invitae Variant Classification Sherloc (09022015). Collection method: clinical testing. Allele origin: germline.
Comment: This sequence change replaces serine, which is neutral and polar, with arginine, which is basic and polar, at codon 154 of the CPLANE1 protein (p.Ser154Arg). This variant is not present in population databases (gnomAD no frequency). This variant has not been reported in the literature in individuals affected with CPLANE1-related conditions. ClinVar contains an entry for this variant (Variation ID: 1485175). Invitae Evidence Modeling of protein sequence and biophysical properties (such as structural, functional, and spatial information, amino acid conservation, physicochemical variation, residue mobility, and thermodynamic stability) indicates that this missense variant is not expected to disrupt CPLANE1 protein function with a negative predictive value of 95%. Algorithms developed to predict the effect of sequence changes on RNA splicing suggest that this variant may disrupt the consensus splice site. In summary, the available evidence is currently insufficient to determine the role of this variant in disease. Therefore, it has been classified as a Variant of Uncertain Significance.